The following is an entry in ClinVar:

ClinVar aggregate classification (germline): Uncertain significance (1 of 4 stars; one submission).

Submission:

GeneDx
Classification: Uncertain significance. Last evaluated: 2022-03-31. Review status: criteria provided, single submitter. Criteria: GeneDx Variant Classification Process June 2021. Collection method: clinical testing. Allele origin: germline. Affected: yes.
Comment: Not observed at significant frequency in large population cohorts (gnomAD); In silico analysis supports that this missense variant has a deleterious effect on protein structure/function; Has not been previously published as pathogenic or benign to our knowledge

NM_001035.3(RYR2):c.14506G>A (p.Gly4836Arg)

Gene: RYR2 (ryanodine receptor 2; plus strand). Cytogenetic location: 1q43.
Variant type: single nucleotide variant.
Coding change: c.14506G>A on transcript NM_001035.3 (MANE Select); coding-DNA position 14506, G replaced by A.
Protein change: p.Gly4836Arg; replaces glycine 4836 with arginine.
Molecular consequence: missense variant.
Genome position (GRCh38, 1-based): chr1:237,819,108, G>A. VCF-style: chr1-237819108-G-A. GRCh37 (hg19) VCF-style: chr1-237982408-G-A.
Other names: short protein forms G4836R.
Identifiers: ClinVar variation 1708846 (VCV001708846.2), dbSNP rs2528296131, ClinGen allele CA345426232.